The following is an entry in ClinVar:

NM_000245.4(MET):c.2368T>C (p.Cys790Arg)

Gene: MET (MET proto-oncogene, receptor tyrosine kinase; plus strand). Cytogenetic location: 7q31.2.
Variant type: single nucleotide variant.
Coding change: c.2368T>C on transcript NM_000245.4 (MANE Select); coding-DNA position 2368, T replaced by C.
Protein change: p.Cys790Arg; replaces cysteine 790 with arginine.
Molecular consequence: missense variant.
Genome position (GRCh38, 1-based): chr7:116,763,053, T>C. VCF-style: chr7-116763053-T-C. GRCh37 (hg19) VCF-style: chr7-116403107-T-C.
Other names: c.2422T>C, p.Cys808Arg (NM_001127500.3); c.2368T>C, p.Cys790Arg (NM_001324401.3); c.1078T>C, p.Cys360Arg (NM_001324402.2); short protein forms C360R, C790R, C808R.
Identifiers: ClinVar variation 3232934 (VCV003232934.2), dbSNP rs2116953570, ClinGen allele CA368982791.

ClinVar aggregate classification (germline): Uncertain significance (1 of 4 stars; one submission).

Conditions:
Hereditary cancer-predisposing syndrome. Also called: Neoplastic Syndromes, Hereditary; Tumor predisposition; Hereditary neoplastic syndrome; Hereditary Cancer Syndrome. Identifiers: Orphanet 140162, MedGen C0027672, MeSH D009386, MONDO:0015356.

Submission:

Ambry Genetics
Classification: Uncertain significance for Hereditary cancer-predisposing syndrome. Last evaluated: 2025-11-13. Review status: criteria provided, single submitter. Criteria: Ambry Variant Classification Scheme 2023. Collection method: clinical testing. Allele origin: germline.
Comment: The p.C808R variant (also known as c.2422T>C), located in coding exon 10 of the MET gene, results from a T to C substitution at nucleotide position 2422. The cysteine at codon 808 is replaced by arginine, an amino acid with highly dissimilar properties. This amino acid position is conserved. In addition, this alteration is predicted to be deleterious by in silico analysis. Since supporting evidence is limited at this time, the clinical significance of this alteration remains unclear.